The following is an entry in ClinVar:

NM_032043.3(BRIP1):c.193C>T (p.Gln65Ter)

Gene: BRIP1 (BRCA1 interacting DNA helicase 1; minus strand). Cytogenetic location: 17q23.2.
Variant type: single nucleotide variant.
Coding change: c.193C>T on transcript NM_032043.3 (MANE Select); coding-DNA position 193, C replaced by T.
Protein change: p.Gln65Ter; replaces glutamine 65 with a stop codon.
Molecular consequence: nonsense.
Genome position (GRCh38, 1-based): chr17:61,859,808, G>A on the plus strand (C>T on the coding strand, the complement: BRIP1 is on the minus strand). VCF-style: chr17-61859808-G-A. GRCh37 (hg19) VCF-style: chr17-59937169-G-A.
Other names: short protein forms Q65*.
Identifiers: ClinVar variation 479463 (VCV000479463.18), dbSNP rs575595017, ClinGen allele CA8690981.

ClinVar aggregate classification (germline): Pathogenic/Likely pathogenic. Review status: criteria provided, multiple submitters, no conflicts (2 of 4 stars). 7 submissions from 7 submitters: Pathogenic (4); Likely pathogenic (3). Last evaluated 2025-04-17.

Conditions:
Hereditary cancer-predisposing syndrome. Also called: Tumor predisposition; Neoplastic Syndromes, Hereditary; Hereditary Cancer Syndrome; Hereditary neoplastic syndrome. Identifiers: Orphanet 140162, MedGen C0027672, MeSH D009386, MONDO:0015356.
Fanconi anemia complementation group J. Also called: BRIP1-Related Fanconi Anemia. Identifiers: Orphanet 84, MedGen C1836860, MONDO:0012187, OMIM 609054.
Familial cancer of breast. Also called: BREAST CANCER, FAMILIAL; Hereditary breast cancer; hereditary breast carcinoma. Identifiers: Orphanet 227535, MedGen C0346153, MONDO:0016419, OMIM 114480. Disease mechanism: loss of function.
Hereditary breast ovarian cancer syndrome. Also called: Hereditary breast and ovarian cancer; Breast and ovarian cancer; Hereditary breast and/or ovarian cancer syndrome; Hereditary breast and ovarian cancer syndrome (HBOC); BRCA1- and BRCA2-Associated Hereditary Breast and Ovarian Cancer; Hereditary breast and ovarian cancer syndrome. Identifiers: Orphanet 145, MedGen C0677776, MeSH D061325, MONDO:0003582. Disease mechanism: loss of function.

Allele frequency attached by ClinVar (database versions not stated): gnomAD exomes below 0.00001 and 0.00001; gnomAD 0.00001; ExAC 0.00003; 1000 Genomes Project 0.00020; 1000 Genomes Project 30x 0.00031.
gnomAD v4.1: 4 of 1,611,372 alleles (0.00025%); highest among the groups gnomAD compares: African/African-American, 0.0013%; no homozygotes.

Submissions (7):

Labcorp Genetics (formerly Invitae), Labcorp
Classification: Pathogenic for Familial cancer of breast; Fanconi anemia complementation group J. Last evaluated: 2025-04-17. Review status: criteria provided, single submitter. Criteria: Invitae Variant Classification Sherloc (09022015). Collection method: clinical testing. Allele origin: germline.
Comment: This sequence change creates a premature translational stop signal (p.Gln65*) in the BRIP1 gene. It is expected to result in an absent or disrupted protein product. Loss-of-function variants in BRIP1 are known to be pathogenic (PMID: 16116423, 17033622, 21964575). This variant is present in population databases (rs575595017, gnomAD 0.003%). This variant has not been reported in the literature in individuals affected with BRIP1-related conditions. ClinVar contains an entry for this variant (Variation ID: 479463). RNA analysis performed to evaluate the impact of this premature translational stop signal on mRNA splicing indicates it does not significantly alter splicing (internal data). For these reasons, this variant has been classified as Pathogenic.

Myriad Genetics, Inc.
Classification: Pathogenic for Familial cancer of breast. Last evaluated: 2023-05-30. Review status: criteria provided, single submitter. Criteria: Myriad Autosomal Dominant, Autosomal Recessive and X-Linked Classification Criteria (2023). Collection method: clinical testing. Allele origin: unknown.
Comment: This variant is considered pathogenic. This variant creates a termination codon and is predicted to result in premature protein truncation.

Ambry Genetics
Classification: Pathogenic for Hereditary cancer-predisposing syndrome. Last evaluated: 2022-04-08. Review status: criteria provided, single submitter. Criteria: Ambry Variant Classification Scheme 2023. Collection method: clinical testing. Allele origin: germline.
Comment: The p.Q65* pathogenic mutation (also known as c.193C>T), located in coding exon 2 of the BRIP1 gene, results from a C to T substitution at nucleotide position 193. This changes the amino acid from a glutamine to a stop codon within coding exon 2. Of note, this alteration is also known as 196C>T in published literature. In addition to the clinical data presented in the literature, this alteration is expected to result in loss of function by premature protein truncation or nonsense-mediated mRNA decay. As such, this alteration is interpreted as a disease-causing mutation.

Sema4
Classification: Likely pathogenic for Hereditary cancer-predisposing syndrome. Last evaluated: 2021-11-27. Review status: criteria provided, single submitter. Criteria: Sema4 Curation Guidelines. Collection method: curation. Allele origin: germline.
Comment: The BRIP1 c.193C>T (p.Q65*) variant has not been reported in the individuals with BRIP1-related disease. It is reported in 2 cases and not in controls in a large dataset of 60,466 women with breast cancer and 53,461 controls, but the odds ratio does not significantly support enrichment in cases vs controls (PMID: 33471991). This nonsense variant creates a premature stop codon at residue 65 of the BRIP1 gene. At this location, this is predicted to result in an absent protein (loss of function) by nonsense-mediated mRNA decay or premature protein truncation. Loss-of-function variants in BRIP1 are known to be pathogenic (PMID: 16116423, 17033622, 21964575). This variant was observed in 3/113674 chromosomes of the Non-Finnish European subpopulation in the Genome Aggregation Database (PMID: 32461654). The variant has been reported in ClinVar (Variation ID: 479463). Based on the current evidence available, this variant is interpreted as likely pathogenic.

Baylor Genetics
Classification: Likely pathogenic for Familial cancer of breast. Last evaluated: 2021-08-08. Review status: criteria provided, single submitter. Criteria: ACMG Guidelines, 2015. Collection method: clinical testing. Allele origin: unknown.

GeneDx
Classification: Pathogenic. Last evaluated: 2018-01-11. Review status: criteria provided, single submitter. Criteria: GeneDx Variant Classification (06012015). Collection method: clinical testing. Allele origin: germline. Affected: yes.
Comment: This variant is denoted BRIP1 c.193C>T at the cDNA level and p.Gln65Ter (Q65X) at the protein level. The substitution creates a nonsense variant, which changes a Glutamine to a premature stop codon (CAA>TAA), and is predicted to cause loss of normal protein function through either protein truncation or nonsense-mediated mRNA decay. Although this variant has not, to our knowledge, been reported in the literature, it is considered pathogenic.

Women's Health and Genetics/Laboratory Corporation of America, LabCorp
Classification: Likely pathogenic for Hereditary breast ovarian cancer syndrome. Last evaluated: 2016-08-01. Review status: criteria provided, single submitter. Criteria: LabCorp Variant Classification Summary - May 2015. Collection method: clinical testing. Allele origin: germline.
Comment: Variant summary: The BRIP1 c.193C>T (p.Gln65X) variant results in a premature termination codon, predicted to cause a truncated or absent BRIP1 protein due to nonsense mediated decay, which are commonly known mechanisms for disease. Truncations downstream of this position have been classified as pathogenic by our laboratory (e.g. c.1871C>A, p.Ser624X; c.2255_2256delAA, p.Lys752fsX12; c.2392C>T, p.Arg798X). One in silico tool predicts a damaging outcome for this variant. This variant was found in 4/121242 control chromosomes at a frequency of 0.000033, which does not exceed the estimated maximal expected allele frequency of a pathogenic BRIP1 variant (0.0000625). The variant of interest has not, to our knowledge, been reported in affected individuals via publications and/or reputable databases/clinical diagnostic laboratories; nor evaluated for functional impact by in vivo/vitro studies. Taken together, this variant is classified as likely pathogenic.

Literature cited by the submitters: PubMed 16116423 (cited by Labcorp Genetics (formerly Invitae), Labcorp and Sema4); PubMed 17033622 (cited by Labcorp Genetics (formerly Invitae), Labcorp and Sema4); PubMed 21964575 (cited by Labcorp Genetics (formerly Invitae), Labcorp and Sema4); PubMed 21409391 (cited by Ambry Genetics); PubMed 33471991 (cited by Sema4).